The following is an entry in ClinVar:

NM_000245.4(MET):c.1082C>T (p.Ala361Val)

Gene: MET (MET proto-oncogene, receptor tyrosine kinase; plus strand). Cytogenetic location: 7q31.2.
Variant type: single nucleotide variant.
Coding change: c.1082C>T on transcript NM_000245.4 (MANE Select); coding-DNA position 1082, C replaced by T.
Protein change: p.Ala361Val; replaces alanine 361 with valine.
Molecular consequence: missense variant. On other transcripts: intron variant (1).
Genome position (GRCh38, 1-based): chr7:116,700,166, C>T. VCF-style: chr7-116700166-C-T. GRCh37 (hg19) VCF-style: chr7-116340220-C-T.
Other names: c.1082C>T, p.Ala361Val (NM_001127500.3, NM_001324401.3); c.-91+27589C>T (NM_001324402.2); c.1082C>T (NM_001127500.1); short protein forms A361V.
Identifiers: ClinVar variation 1061760 (VCV001061760.11), dbSNP rs949765512, ClinGen allele CA164889452.

ClinVar aggregate classification (germline): Uncertain significance. Review status: criteria provided, multiple submitters, no conflicts (2 of 4 stars). 3 submissions from 3 submitters: Uncertain significance (3). Last evaluated 2025-03-17.

Conditions:
Hereditary cancer-predisposing syndrome. Also called: Neoplastic Syndromes, Hereditary; Hereditary Cancer Syndrome; Hereditary neoplastic syndrome; Tumor predisposition. Identifiers: Orphanet 140162, MedGen C0027672, MeSH D009386, MONDO:0015356.
Renal cell carcinoma. Identifiers: Orphanet 217071, MedGen C0007134, MeSH D002292, MONDO:0005086, HP:0005584.

Allele frequency attached by ClinVar (database versions not stated): gnomAD exomes below 0.00001.
gnomAD v4.1: 3 of 1,595,460 alleles (0.00019%); highest among the groups gnomAD compares: Non-Finnish European, 0.00026%; no homozygotes.

Submissions (3):

Labcorp Genetics (formerly Invitae), Labcorp
Classification: Uncertain significance for Renal cell carcinoma. Last evaluated: 2025-03-17. Review status: criteria provided, single submitter. Criteria: Invitae Variant Classification Sherloc (09022015). Collection method: clinical testing. Allele origin: germline.
Comment: This sequence change replaces alanine, which is neutral and non-polar, with valine, which is neutral and non-polar, at codon 361 of the MET protein (p.Ala361Val). This variant is not present in population databases (gnomAD no frequency). This variant has not been reported in the literature in individuals affected with MET-related conditions. ClinVar contains an entry for this variant (Variation ID: 1061760). Invitae Evidence Modeling of protein sequence and biophysical properties (such as structural, functional, and spatial information, amino acid conservation, physicochemical variation, residue mobility, and thermodynamic stability) indicates that this missense variant is not expected to disrupt MET protein function with a negative predictive value of 80%. In summary, the available evidence is currently insufficient to determine the role of this variant in disease. Therefore, it has been classified as a Variant of Uncertain Significance.

GeneDx
Classification: Uncertain significance. Last evaluated: 2025-03-11. Review status: criteria provided, single submitter. Criteria: GeneDx Variant Classification Process June 2021. Collection method: clinical testing. Allele origin: germline. Affected: yes.
Comment: Not observed at significant frequency in large population cohorts (gnomAD); In silico analysis indicates that this missense variant does not alter protein structure/function; Has not been previously published as pathogenic or benign to our knowledge

Ambry Genetics
Classification: Uncertain significance for Hereditary cancer-predisposing syndrome. Last evaluated: 2023-12-31. Review status: criteria provided, single submitter. Criteria: Ambry Variant Classification Scheme 2023. Collection method: clinical testing. Allele origin: germline.
Comment: The p.A361V variant (also known as c.1082C>T), located in coding exon 1 of the MET gene, results from a C to T substitution at nucleotide position 1082. The alanine at codon 361 is replaced by valine, an amino acid with similar properties. This amino acid position is conserved. In addition, the in silico prediction for this alteration is inconclusive. Since supporting evidence is limited at this time, the clinical significance of this alteration remains unclear.